The following is an entry in ClinVar:

NM_003722.5(TP63):c.1912G>A (p.Val638Ile)

Gene: TP63 (tumor protein p63; plus strand). Cytogenetic location: 3q28.
Variant type: single nucleotide variant.
Coding change: c.1912G>A on transcript NM_003722.5 (MANE Select); coding-DNA position 1912, G replaced by A.
Protein change: p.Val638Ile; replaces valine 638 with isoleucine.
Molecular consequence: missense variant. On other transcripts: 3 prime UTR variant (6).
Genome position (GRCh38, 1-based): chr3:189,894,371, G>A. VCF-style: chr3-189894371-G-A. GRCh37 (hg19) VCF-style: chr3-189612160-G-A.
Other names: c.*150G>A (NM_001114978.2, NM_001114981.2); c.1630G>A, p.Val544Ile (NM_001114980.2); c.*140G>A (NM_001329144.2, NM_001329145.2, NM_001329149.2 and 1 more transcripts); c.1375G>A, p.Val459Ile (NM_001329146.2); c.1900G>A, p.Val634Ile (NM_001329148.2); c.1906G>A, p.Val636Ile (NM_001329964.2); short protein forms V544I, V459I, V638I, V634I, V636I.
Identifiers: ClinVar variation 2187647 (VCV002187647.3), dbSNP rs1267295503, ClinGen allele CA355751458.

ClinVar aggregate classification (germline): Uncertain significance (1 of 4 stars; one submission).

Conditions:
TP63-Related Spectrum Disorders.

Allele frequency attached by ClinVar (database versions not stated): gnomAD exomes 0.00001; gnomAD 0.00003.
gnomAD v4.1: 9 of 1,613,884 alleles (0.00056%); highest among the groups gnomAD compares: African/African-American, 0.011%; no homozygotes.

Submission:

Labcorp Genetics (formerly Invitae), Labcorp
Classification: Uncertain significance. Last evaluated: 2024-01-06. Review status: criteria provided, single submitter. Criteria: Invitae Variant Classification Sherloc (09022015). Collection method: clinical testing. Allele origin: germline.
Comment: This sequence change replaces valine, which is neutral and non-polar, with isoleucine, which is neutral and non-polar, at codon 638 of the TP63 protein (p.Val638Ile). This variant is present in population databases (no rsID available, gnomAD 0.004%). This variant has not been reported in the literature in individuals affected with TP63-related conditions. ClinVar contains an entry for this variant (Variation ID: 2187647). Advanced modeling of protein sequence and biophysical properties (such as structural, functional, and spatial information, amino acid conservation, physicochemical variation, residue mobility, and thermodynamic stability) has been performed at Invitae for this missense variant, however the output from this modeling did not meet the statistical confidence thresholds required to predict the impact of this variant on TP63 protein function. In summary, the available evidence is currently insufficient to determine the role of this variant in disease. Therefore, it has been classified as a Variant of Uncertain Significance.